The following is an entry in ClinVar:

ClinVar aggregate classification (germline): Uncertain significance. Review status: criteria provided, multiple submitters, no conflicts (2 of 4 stars). 4 submissions from 4 submitters: Uncertain significance (4). Last evaluated 2024-02-15.

Conditions:
Thyrotoxic periodic paralysis, susceptibility to, 1 (TTPP1). Identifiers: Orphanet 79102, MedGen C2749982, MONDO:0008570, OMIM 188580.
Congenital myopathy 18. Also called: DIHYDROPYRIDINE RECEPTOR CONGENITAL MYOPATHY; DHPR CONGENITAL MYOPATHY; Myopathy, congenital, due to dihydropyridine receptor defect. Identifiers: MedGen C5830283, MONDO:0859514, OMIM 620246.
Hypokalemic periodic paralysis, type 1. Also called: HypoPP; Hypokalemic Periodic Paralysis Type 1 (AD). Identifiers: Orphanet 681, MedGen C3714580, MONDO:0042979, OMIM 170400.
Malignant hyperthermia, susceptibility to, 5 (MHS5). Also called: CACNA1S-Related Malignant Hyperthermia Susceptibility. Identifiers: Orphanet 423, MedGen C1866077, MONDO:0011163, OMIM 601887.

gnomAD v4.1: 16 of 1,614,194 alleles (0.00099%); highest among the groups gnomAD compares: Middle Eastern, 0.017%; no homozygotes.

Submissions (4):

Fulgent Genetics
Classification: Uncertain significance for Hypokalemic periodic paralysis, type 1; Thyrotoxic periodic paralysis, susceptibility to, 1; Malignant hyperthermia, susceptibility to, 5; Congenital myopathy 18. Last evaluated: 2024-02-15. Review status: criteria provided, single submitter. Criteria: ACMG Guidelines, 2015. Collection method: clinical testing. Allele origin: germline.

All of Us Research Program, National Institutes of Health
Classification: Uncertain significance for Malignant hyperthermia, susceptibility to, 5. Last evaluated: 2023-12-01. Review status: criteria provided, single submitter. Criteria: ACMG Guidelines, 2015. Collection method: clinical testing. Allele origin: germline. Inheritance: Autosomal dominant inheritance. Observed: 2 variant alleles, 2 heterozygotes.
Comment: This missense variant replaces arginine with histidine at codon 119 of the CACNA1S protein. Computational prediction suggests that this variant may have deleterious impact on protein structure and function (internally defined REVEL score threshold >= 0.7, PMID: 27666373). To our knowledge, functional studies have not been reported for this variant. This variant has not been reported in individuals affected with CACNA1S-related disorders in the literature. This variant has been identified in 5/251486 chromosomes in the general population by the Genome Aggregation Database (gnomAD). The available evidence is insufficient to determine the role of this variant in disease conclusively. Therefore, this variant is classified as a Variant of Uncertain Significance.

This study involves interpretation of variants in research participants for the purpose of population health screening. Participant phenotype was not available at the time of variant classification. Additional details can be found in publication PMID: 35346344, PMCID: PMC8962531

Women's Health and Genetics/Laboratory Corporation of America, LabCorp
Classification: Uncertain significance. Last evaluated: 2023-11-03. Review status: criteria provided, single submitter. Criteria: LabCorp Variant Classification Summary - May 2015. Collection method: clinical testing. Allele origin: germline.
Comment: Variant summary: CACNA1S c.356G>A (p.Arg119His) results in a non-conservative amino acid change located in the Ion transport domain (IPR005821) of the encoded protein sequence. Five of five in-silico tools predict a damaging effect of the variant on protein function. The variant allele was found at a frequency of 2e-05 in 251486 control chromosomes (gnomAD). The available data on variant occurrences in the general population are insufficient to allow any conclusion about variant significance. To our knowledge, no occurrence of c.356G>A in individuals affected with Hypokalemic Periodic Paralysis and no experimental evidence demonstrating its impact on protein function have been reported. One submitter has cited a clinical-significance assessment for this variant to ClinVar after 2014 and has classified the variant as uncertain significance. Based on the evidence outlined above, the variant was classified as uncertain significance.

Labcorp Genetics (formerly Invitae), Labcorp
Classification: Uncertain significance for Hypokalemic periodic paralysis, type 1; Malignant hyperthermia, susceptibility to, 5. Last evaluated: 2023-07-10. Review status: criteria provided, single submitter. Criteria: Invitae Variant Classification Sherloc (09022015). Collection method: clinical testing. Allele origin: germline.
Comment: Advanced modeling of protein sequence and biophysical properties (such as structural, functional, and spatial information, amino acid conservation, physicochemical variation, residue mobility, and thermodynamic stability) performed at Invitae indicates that this missense variant is not expected to disrupt CACNA1S protein function. ClinVar contains an entry for this variant (Variation ID: 935964). This variant has not been reported in the literature in individuals affected with CACNA1S-related conditions. This variant is present in population databases (rs749588662, gnomAD 0.006%). This sequence change replaces arginine, which is basic and polar, with histidine, which is basic and polar, at codon 119 of the CACNA1S protein (p.Arg119His). In summary, the available evidence is currently insufficient to determine the role of this variant in disease. Therefore, it has been classified as a Variant of Uncertain Significance.

NM_000069.3(CACNA1S):c.356G>A (p.Arg119His)

Gene: CACNA1S (calcium voltage-gated channel subunit alpha1 S; minus strand). Cytogenetic location: 1q32.1.
Variant type: single nucleotide variant.
Coding change: c.356G>A on transcript NM_000069.3 (MANE Select); coding-DNA position 356, G replaced by A.
Protein change: p.Arg119His; replaces arginine 119 with histidine.
Molecular consequence: missense variant.
Genome position (GRCh38, 1-based): chr1:201,093,924, C>T on the plus strand (G>A on the coding strand, the complement: CACNA1S is on the minus strand). VCF-style: chr1-201093924-C-T. GRCh37 (hg19) VCF-style: chr1-201063052-C-T.
Other names: short protein forms R119H.
Identifiers: ClinVar variation 935964 (VCV000935964.9), dbSNP rs749588662, ClinGen allele CA082625.